The following is an entry in ClinVar:

ClinVar aggregate classification (germline): Conflicting classifications of pathogenicity. Review status: criteria provided, conflicting classifications (1 of 4 stars). 2 submissions from 2 submitters: Likely pathogenic (1); Uncertain significance (1). Last evaluated 2024-10-14.

Conditions:
Muscular dystrophy, limb-girdle, autosomal dominant 4. Also called: Calpain-3-related limb-girdle muscular dystrophy D4; MUSCULAR DYSTROPHY, LIMB-GIRDLE, TYPE 1I. Identifiers: Orphanet 565909, MedGen C4748295, MONDO:0029133, OMIM 618129.

gnomAD v4.1: 1 of 1,613,886 alleles (0.000062%); highest among the groups gnomAD compares: African/African-American, 0.0013%; no homozygotes.

Submissions (2):

Women's Health and Genetics/Laboratory Corporation of America, LabCorp
Classification: Uncertain significance. Last evaluated: 2024-10-14. Review status: criteria provided, single submitter. Criteria: LabCorp Variant Classification Summary - May 2015. Collection method: clinical testing. Allele origin: germline.
Comment: Variant summary: CAPN3 c.633G>T (p.Lys211Asn) results in a non-conservative amino acid change located in the Peptidase C2, calpain, catalytic domain (IPR001300) of the encoded protein sequence. Five of five in-silico tools predict a damaging effect of the variant on protein function. Several computational tools predict a significant impact on normal splicing: Three predict the variant weakens a 3' acceptor site. In contrast functional studies showed loss of exon 5 in only 5-13% of transcripts in HEK293 cells in vitro (example, Fu_CAPN3_NA_2011), suggesting this variant may not significantly impact splicing. The variant allele was found at a frequency of 4e-06 in 251472 control chromosomes. c.633G>T has been reported in the literature in the presumed compound heterozygous state in at least 1 individual affected with autosomal recessive limb-girdle muscular dystrophy and in the heterozygous state in at least 1 individual with Muscular Dystrophy, Limb-Girdle, Autosomal Dominant 4 (example, Balci_2006, Piluso_2005, Rubegni_2019). Further, a different nucleotide variant resulting in the same protein effect (c.633G>C; p.Lys211Asn) was reported in the heterozygous state in at least 3 individuals with autosomal dominant limb-girdle muscular dystrophy (PMID: 30564623), and an additional variant at this codon with a different protein effect (c.631A>G; p.Lys211Glu) was reported in the presumed heterozygous state in 2 individuals with limb-girdle muscular dystrophy (PMID: 12461690). To our knowledge, no experimental evidence demonstrating an impact on protein function for the c.633G>T p.Lys211Asn variant has been reported. The following publications have been ascertained in the context of this evaluation (PMID: 16411092, 21288883, 16141003, 31517061). ClinVar contains an entry for this variant (Variation ID: 3241004). Based on the evidence outlined above, this variant is classified as VUS-possibly pathogenic.

Baylor Genetics
Classification: Likely pathogenic for Muscular dystrophy, limb-girdle, autosomal dominant 4. Last evaluated: 2023-11-25. Review status: criteria provided, single submitter. Criteria: ACMG Guidelines, 2015. Collection method: clinical testing. Allele origin: unknown.

Literature cited by the submitters: PubMed 16141003 (cited by Women's Health and Genetics/Laboratory Corporation of America, LabCorp); PubMed 16411092 (cited by Women's Health and Genetics/Laboratory Corporation of America, LabCorp); PubMed 31517061 (cited by Women's Health and Genetics/Laboratory Corporation of America, LabCorp); PubMed 21288883 (cited by Women's Health and Genetics/Laboratory Corporation of America, LabCorp).

NM_000070.3(CAPN3):c.633G>T (p.Lys211Asn)

Gene: CAPN3 (calpain 3; plus strand). Cytogenetic location: 15q15.1.
Variant type: single nucleotide variant.
Coding change: c.633G>T on transcript NM_000070.3 (MANE Select); coding-DNA position 633, G replaced by T.
Protein change: p.Lys211Asn; replaces lysine 211 with asparagine.
Molecular consequence: missense variant.
Genome position (GRCh38, 1-based): chr15:42,388,928, G>T. VCF-style: chr15-42388928-G-T. GRCh37 (hg19) VCF-style: chr15-42681126-G-T.
Other names: c.633G>T, p.Lys211Asn (NM_024344.2, NM_173087.2); c.372G>T, p.Lys124Asn (NM_212464.2); c.*326G>T (NM_212467.2); short protein forms K124N, K211N.
Identifiers: ClinVar variation 3241004 (VCV003241004.2), dbSNP rs779701414.